The following is an entry in ClinVar:

NM_152558.5(IQCE):c.1333C>T (p.Arg445Ter)

Gene: IQCE (IQ motif containing E; plus strand). Cytogenetic location: 7p22.3.
Variant type: single nucleotide variant.
Coding change: c.1333C>T on transcript NM_152558.5 (MANE Select); coding-DNA position 1333, C replaced by T.
Protein change: p.Arg445Ter; replaces arginine 445 with a stop codon.
Molecular consequence: nonsense.
Genome position (GRCh38, 1-based): chr7:2,593,110, C>T. VCF-style: chr7-2593110-C-T. GRCh37 (hg19) VCF-style: chr7-2632744-C-T.
Other names: c.1333C>T, p.Arg445Ter (NM_001287499.2); c.1285C>T, p.Arg429Ter (NM_001287500.2); c.1138C>T, p.Arg380Ter (NM_001287501.2, NM_001287502.2); c.1333C>T (NM_152558.4); short protein forms R445*, R429*, R380*.
Identifiers: ClinVar variation 522174 (VCV000522174.5), dbSNP rs753670589, ClinGen allele CA4129137.

ClinVar aggregate classification (germline): Conflicting classifications of pathogenicity. Review status: criteria provided, conflicting classifications (1 of 4 stars). 2 submissions from 2 submitters: Likely pathogenic (1); Uncertain significance (1). Last evaluated 2023-06-12.

Conditions:
Inborn genetic diseases. Identifiers: MedGen C0950123, MeSH D030342.

Allele frequency attached by ClinVar (database versions not stated): gnomAD 0.00001; gnomAD exomes 0.00001 and 0.00002; ExAC 0.00002.

Submissions (2):

GeneDx
Classification: Uncertain significance. Last evaluated: 2023-06-12. Review status: criteria provided, single submitter. Criteria: GeneDx Variant Classification Process June 2021. Collection method: clinical testing. Allele origin: germline. Affected: yes.
Comment: Nonsense variant predicted to result in protein truncation or nonsense mediated decay in a gene or region of a gene for which loss of function is not a well-established mechanism of disease; Has not been previously published as pathogenic or benign to our knowledge; Variants in candidate genes are classified as variants of uncertain significance in accordance with ACMG guidelines (Richards et al., 2015)

Ambry Genetics
Classification: Likely pathogenic for Inborn genetic diseases. Last evaluated: 2017-11-21. Review status: criteria provided, single submitter. Criteria: Ambry exome assertion method (8-5-2015). Collection method: clinical testing. Allele origin: germline. Affected: yes. Observed: 1 variant allele.